The following is an entry in ClinVar:

NM_006420.3(ARFGEF2):c.460A>G (p.Ile154Val)

Gene: ARFGEF2 (ARF guanine nucleotide exchange factor 2; plus strand). Cytogenetic location: 20q13.13.
Variant type: single nucleotide variant.
Coding change: c.460A>G on transcript NM_006420.3 (MANE Select); coding-DNA position 460, A replaced by G.
Protein change: p.Ile154Val; replaces isoleucine 154 with valine.
Molecular consequence: missense variant.
Genome position (GRCh38, 1-based): chr20:48,952,741, A>G. VCF-style: chr20-48952741-A-G. GRCh37 (hg19) VCF-style: chr20-47569278-A-G.
Other names: c.460A>G, p.Ile154Val (NM_001410846.1); short protein forms I154V.
Identifiers: ClinVar variation 2078740 (VCV002078740.4), dbSNP rs2516042739, ClinGen allele CA409318162.
Genomic context (GRCh38, chr20:48,952,741, plus strand): 5'-GAAGGTCGCGGATTTCTATTTTAGGCTCTTCTGACTGCAGTGACTTCCCCACACATTGAA[A>G]TTCATGAGGGTACTATCCTGCAGACAGTGAGAACATGTTACAATATCTATTTGGCCAGCA-3'
Protein context (NP_006411.2, residues 144-164): LTAVTSPHIE[Ile154Val]HEGTILQTVR

ClinVar aggregate classification (germline): Uncertain significance (1 of 4 stars; one submission).

Submission:

Labcorp Genetics (formerly Invitae), Labcorp
Classification: Uncertain significance. Last evaluated: 2022-08-16. Review status: criteria provided, single submitter. Criteria: Invitae Variant Classification Sherloc (09022015). Collection method: clinical testing. Allele origin: germline.
Comment: In summary, the available evidence is currently insufficient to determine the role of this variant in disease. Therefore, it has been classified as a Variant of Uncertain Significance. Algorithms developed to predict the effect of sequence changes on RNA splicing suggest that this variant may create or strengthen a splice site. Algorithms developed to predict the effect of missense changes on protein structure and function (SIFT, PolyPhen-2, Align-GVGD) all suggest that this variant is likely to be tolerated. This sequence change replaces isoleucine, which is neutral and non-polar, with valine, which is neutral and non-polar, at codon 154 of the ARFGEF2 protein (p.Ile154Val). This variant is not present in population databases (gnomAD no frequency). This variant has not been reported in the literature in individuals affected with ARFGEF2-related conditions.